The following is an entry in ClinVar:

NM_003074.4(SMARCC1):c.3123C>T (p.Ile1041=)

Gene: SMARCC1 (SWI/SNF related BAF chromatin remodeling complex subunit C1; minus strand). Cytogenetic location: 3p21.31.
Variant type: single nucleotide variant.
Coding change: c.3123C>T on transcript NM_003074.4 (MANE Select); coding-DNA position 3123, C replaced by T.
Protein change: p.Ile1041=; no amino-acid change (isoleucine 1041 retained).
Molecular consequence: synonymous variant.
Genome position (GRCh38, 1-based): chr3:47,590,758, G>A on the plus strand (C>T on the coding strand, the complement: SMARCC1 is on the minus strand). VCF-style: chr3-47590758-G-A. GRCh37 (hg19) VCF-style: chr3-47632248-G-A.
Identifiers: ClinVar variation 3352481 (VCV003352481.1).

ClinVar aggregate classification (germline): Likely benign (0 of 4 stars; one submission).

Conditions:
SMARCC1-related disorder. Also called: SMARCC1-related condition.

gnomAD v4.1: 436 of 1,604,518 alleles (0.027%); highest among the groups gnomAD compares: African/African-American, 0.37%; 1 homozygote.

Submission:

PreventionGenetics, part of Exact Sciences
Classification: Likely benign for SMARCC1-related condition. Last evaluated: 2024-08-12. Review status: no assertion criteria provided. Collection method: clinical testing. Allele origin: germline.
Comment: This variant is classified as likely benign based on ACMG/AMP sequence variant interpretation guidelines (Richards et al. 2015 PMID: 25741868, with internal and published modifications).